The following is an entry in ClinVar:

ClinVar aggregate classification (germline): Uncertain significance. Review status: criteria provided, multiple submitters, no conflicts (2 of 4 stars). 2 submissions from 2 submitters: Uncertain significance (2). Last evaluated 2025-03-31.

Conditions:
Hereditary nonpolyposis colorectal neoplasms. Identifiers: MedGen C0009405, MeSH D003123.

Submissions (2):

Dasa
Classification: Uncertain significance. Last evaluated: 2025-03-31. Review status: criteria provided, single submitter. Criteria: DASA Assertion Criteria. Collection method: clinical testing. Allele origin: germline.
Comment: NM_000179.3(MSH6):c.3119T>C (p.Phe1040Ser) is a missense variant that results in the substitution of phenylalanine with serine. This variant is absent from population databases. Computational prediction algorithms are consistent with a deleterious effect. The currently available literature and clinical evidence are not sufficient to establish a definitive association between this variant and the reported condition. Therefore, this variant is classified as a variant of uncertain significance.

Labcorp Genetics (formerly Invitae), Labcorp
Classification: Uncertain significance for Hereditary nonpolyposis colorectal neoplasms. Last evaluated: 2021-12-25. Review status: criteria provided, single submitter. Criteria: Invitae Variant Classification Sherloc (09022015). Collection method: clinical testing. Allele origin: germline.
Comment: This sequence change replaces phenylalanine, which is neutral and non-polar, with serine, which is neutral and polar, at codon 1040 of the MSH6 protein (p.Phe1040Ser). This variant is not present in population databases (gnomAD no frequency). This variant has not been reported in the literature in individuals affected with MSH6-related conditions. Advanced modeling of protein sequence and biophysical properties (such as structural, functional, and spatial information, amino acid conservation, physicochemical variation, residue mobility, and thermodynamic stability) performed at Invitae indicates that this missense variant is expected to disrupt MSH6 protein function. In summary, the available evidence is currently insufficient to determine the role of this variant in disease. Therefore, it has been classified as a Variant of Uncertain Significance.

NM_000179.3(MSH6):c.3119T>C (p.Phe1040Ser)

Gene: MSH6 (mutS homolog 6; plus strand). Cytogenetic location: 2p16.3.
Variant type: single nucleotide variant.
Coding change: c.3119T>C on transcript NM_000179.3 (MANE Select); coding-DNA position 3119, T replaced by C.
Protein change: p.Phe1040Ser; replaces phenylalanine 1040 with serine.
Molecular consequence: missense variant.
Genome position (GRCh38, 1-based): chr2:47,801,102, T>C. VCF-style: chr2-47801102-T-C. GRCh37 (hg19) VCF-style: chr2-48028241-T-C.
Other names: c.2729T>C, p.Phe910Ser (NM_001281492.2); c.2213T>C, p.Phe738Ser (NM_001281493.2, NM_001281494.2); short protein forms F738S, F1040S, F910S.
Identifiers: ClinVar variation 1383282 (VCV001383282.10), dbSNP rs2104441260, ClinGen allele CA346756633.